The following is an entry in ClinVar:

NM_198859.4(PRICKLE2):c.586G>A (p.Ala196Thr)

Gene: PRICKLE2 (prickle planar cell polarity protein 2; minus strand). Cytogenetic location: 3p14.1.
Variant type: single nucleotide variant.
Coding change: c.586G>A on transcript NM_198859.4 (MANE Select); coding-DNA position 586, G replaced by A.
Protein change: p.Ala196Thr; replaces alanine 196 with threonine.
Molecular consequence: missense variant.
Genome position (GRCh38, 1-based): chr3:64,157,176, C>T on the plus strand (G>A on the coding strand, the complement: PRICKLE2 is on the minus strand). VCF-style: chr3-64157176-C-T. GRCh37 (hg19) VCF-style: chr3-64142852-C-T.
Other names: c.586G>A, p.Ala196Thr (NM_001370528.1); short protein forms A196T.
Identifiers: ClinVar variation 2010174 (VCV002010174.4), dbSNP rs2077648699, ClinGen allele CA353434862.

ClinVar aggregate classification (germline): Uncertain significance (1 of 4 stars; one submission).

Conditions:
Progressive myoclonic epilepsy type 5. Identifiers: Orphanet 402082, MedGen C5190799.

Allele frequency attached by ClinVar (database versions not stated): gnomAD exomes below 0.00001.
gnomAD v4.1: 1 of 1,614,072 alleles (0.000062%); highest among the groups gnomAD compares: African/African-American, 0.0013%; no homozygotes.

Submission:

Labcorp Genetics (formerly Invitae), Labcorp
Classification: Uncertain significance for Progressive myoclonic epilepsy type 5. Last evaluated: 2022-06-24. Review status: criteria provided, single submitter. Criteria: Invitae Variant Classification Sherloc (09022015). Collection method: clinical testing. Allele origin: germline.
Comment: This sequence change replaces alanine, which is neutral and non-polar, with threonine, which is neutral and polar, at codon 196 of the PRICKLE2 protein (p.Ala196Thr). This variant is not present in population databases (gnomAD no frequency). This variant has not been reported in the literature in individuals affected with PRICKLE2-related conditions. Algorithms developed to predict the effect of missense changes on protein structure and function are either unavailable or do not agree on the potential impact of this missense change (SIFT: "Deleterious"; PolyPhen-2: "Benign"; Align-GVGD: "Class C0"). In summary, the available evidence is currently insufficient to determine the role of this variant in disease. Therefore, it has been classified as a Variant of Uncertain Significance.